The following is an entry in ClinVar:

ClinVar aggregate classification (germline): Uncertain significance (1 of 4 stars; one submission).

Conditions:
Hereditary cancer-predisposing syndrome. Also called: Neoplastic Syndromes, Hereditary; Tumor predisposition; Hereditary neoplastic syndrome; Hereditary Cancer Syndrome. Identifiers: Orphanet 140162, MedGen C0027672, MeSH D009386, MONDO:0015356.

Submission:

Ambry Genetics
Classification: Uncertain significance for Hereditary cancer-predisposing syndrome. Last evaluated: 2024-03-12. Review status: criteria provided, single submitter. Criteria: Ambry Variant Classification Scheme 2023. Collection method: clinical testing. Allele origin: germline.
Comment: The c.1298_1300delAGT variant (also known as p.Q433_*434delinsRext*134), located in coding exon 9 of the STK11 gene, results from an in-frame AGT deletion at nucleotide positions 1298 to 1300. The glutamine at codon 433 is replaced by arginine, an amino acid with highly similar properties. This alteration occurs at the 3' terminus of theSTK11 gene, is not expected to trigger nonsense-mediated mRNAdecay, and results in the elongation of the protein by 134 amino acids. The exact functional effect of the altered amino acids is unknown. Based on the available evidence, the clinical significance of this alteration remains unclear.

NM_000455.5(STK11):c.1298_1300del (p.Gln433_Ter434delinsArg)

Gene: STK11 (serine/threonine kinase 11; plus strand). Cytogenetic location: 19p13.3.
Variant type: Deletion.
Coding change: c.1298_1300del on transcript NM_000455.5 (MANE Select); coding-DNA positions 1298 to 1300, 3 bases deleted (AGT; older notation c.1298_1300delAGT).
Protein change: p.Gln433_Ter434delinsArg.
Molecular consequence: stop lost. On other transcripts: non-coding transcript variant (1).
Genome position (GRCh38, 1-based): chr19:1,226,643-1,226,645, AGT deleted. VCF-style (leftmost placement, unchanged base first): chr19-1226642-CAGT-C. GRCh37 (hg19) VCF-style: chr19-1226641-CAGT-C.
Identifiers: ClinVar variation 3231740 (VCV003231740.1), dbSNP rs2512955437, ClinGen allele CA2825002723.